The following is an entry in ClinVar:

ClinVar aggregate classification (germline): Uncertain significance (1 of 4 stars; one submission).

Conditions:
Inborn genetic diseases. Identifiers: MedGen C0950123, MeSH D030342.

Submission:

Ambry Genetics
Classification: Uncertain significance for Inborn genetic diseases. Last evaluated: 2025-02-22. Review status: criteria provided, single submitter. Criteria: Ambry Variant Classification Scheme 2023. Collection method: clinical testing. Allele origin: germline.
Comment: The p.D245Y variant (also known as c.733G>T), located in coding exon 5 of the MECOM gene, results from a G to T substitution at nucleotide position 733. The aspartic acid at codon 245 is replaced by tyrosine, an amino acid with highly dissimilar properties. This amino acid position is conserved. In addition, the in silico prediction for this alteration is inconclusive. Based on the available evidence, the clinical significance of this variant remains unclear.

NM_004991.4(MECOM):c.733G>T (p.Asp245Tyr)

Gene: MECOM (MDS1 and EVI1 complex locus; minus strand). Cytogenetic location: 3q26.2.
Variant type: single nucleotide variant.
Coding change: c.733G>T on transcript NM_004991.4 (MANE Select); coding-DNA position 733, G replaced by T.
Protein change: p.Asp245Tyr; replaces aspartic acid 245 with tyrosine.
Molecular consequence: missense variant.
Genome position (GRCh38, 1-based): chr3:169,127,941, C>A on the plus strand (G>T on the coding strand, the complement: MECOM is on the minus strand). VCF-style: chr3-169127941-C-A. GRCh37 (hg19) VCF-style: chr3-168845729-C-A.
Other names: c.361G>T, p.Asp121Tyr (NM_001105077.4); c.169G>T, p.Asp57Tyr (NM_001105078.4, NM_001163999.2, NM_001164000.2 and 9 more transcripts); c.733G>T, p.Asp245Tyr (NM_001366466.2, NM_001366473.2); short protein forms D121Y, D57Y, D245Y.
Identifiers: ClinVar variation 3871848 (VCV003871848.1).